The following is an entry in ClinVar:

NM_002354.3(EPCAM):c.80G>A (p.Cys27Tyr)

Gene: EPCAM (epithelial cell adhesion molecule; plus strand). Cytogenetic location: 2p21.
Variant type: single nucleotide variant.
Coding change: c.80G>A on transcript NM_002354.3 (MANE Select); coding-DNA position 80, G replaced by A.
Protein change: p.Cys27Tyr; replaces cysteine 27 with tyrosine.
Molecular consequence: missense variant.
Genome position (GRCh38, 1-based): chr2:47,373,466, G>A. VCF-style: chr2-47373466-G-A. GRCh37 (hg19) VCF-style: chr2-47600605-G-A.
Other names: short protein forms C27Y.
Identifiers: ClinVar variation 2566636 (VCV002566636.2), dbSNP rs1198261971, ClinGen allele CA346722376.
Genomic context (GRCh38, chr2:47,373,466, plus strand): 5'-GGACATGAGAGTTAATAGATCCACATTTTAAAGTAGATTTTTTTTTTAATTTTCTAGAAT[G>A]TGTCTGTGAAAACTACAAGCTGGCCGTAAACTGCTTTGTGAATAATAATCGTCAATGCCA-3'
Protein context (NP_002345.2, residues 17-37): TATFAAAQEE[Cys27Tyr]VCENYKLAVN

ClinVar aggregate classification (germline): Uncertain significance (1 of 4 stars; one submission).

Conditions:
Hereditary cancer-predisposing syndrome. Also called: Hereditary neoplastic syndrome; Hereditary Cancer Syndrome; Neoplastic Syndromes, Hereditary; Tumor predisposition. Identifiers: Orphanet 140162, MedGen C0027672, MeSH D009386, MONDO:0015356.

Allele frequency attached by ClinVar (database versions not stated): gnomAD exomes below 0.00001; TOPMed below 0.00001.

Submission:

Ambry Genetics
Classification: Uncertain significance for Hereditary cancer-predisposing syndrome. Last evaluated: 2023-05-19. Review status: criteria provided, single submitter. Criteria: Ambry Variant Classification Scheme 2023. Collection method: clinical testing. Allele origin: germline.
Comment: The p.C27Y variant (also known as c.80G>A), located in coding exon 2 of the EPCAM gene, results from a G to A substitution at nucleotide position 80. The cysteine at codon 27 is replaced by tyrosine, an amino acid with highly dissimilar properties. This amino acid position is conserved. In addition, this alteration is predicted to be deleterious by in silico analysis. Since supporting evidence is limited at this time, the clinical significance of this alteration remains unclear.